The following is an entry in ClinVar:

NM_000418.4(IL4R):c.1199A>C (p.Glu400Ala)

Gene: IL4R (interleukin 4 receptor; plus strand). Cytogenetic location: 16p12.1.
Variant type: single nucleotide variant.
Coding change: c.1199A>C on transcript NM_000418.4 (MANE Select); coding-DNA position 1199, A replaced by C.
Protein change: p.Glu400Ala; replaces glutamic acid 400 with alanine.
Molecular consequence: missense variant.
Genome position (GRCh38, 1-based): chr16:27,362,551, A>C. VCF-style: chr16-27362551-A-C. GRCh37 (hg19) VCF-style: chr16-27373872-A-C.
Other names: c.1199A>C, p.Glu400Ala (NM_001257406.2); c.1154A>C, p.Glu385Ala (NM_001257407.2); c.719A>C, p.Glu240Ala (NM_001257997.2); short protein forms E240A, E385A, E400A.
Identifiers: ClinVar variation 3056511 (VCV003056511.2), dbSNP rs1805011, ClinGen allele CA7974510.
Genomic context (GRCh38, chr16:27,362,551, plus strand): 5'-AAAAAGGGAGCTTCTGTGCATCGCCTGAGAGCAGCAGGGATGACTTCCAGGAGGGAAGGG[A>C]GGGCATTGTGGCCCGGCTAACAGAGAGCCTGTTCCTGGACCTGCTCGGAGAGGAGAATGG-3'
Protein context (NP_000409.1, residues 390-410): SSRDDFQEGR[Glu400Ala]GIVARLTESL

ClinVar aggregate classification (germline): Benign (0 of 4 stars; one submission).

Conditions:
IL4R-related disorder. Also called: IL4R-related condition.

Allele frequency attached by ClinVar (database versions not stated): 1000 Genomes Project 0.23642; 1000 Genomes Project 30x 0.24563; TOPMed 0.24778; ESP Exome Variant Server 0.25150.
gnomAD v4.1: 213,837 of 1,613,858 alleles (13%); highest among the groups gnomAD compares: African/African-American, 54%; 21,456 homozygotes.

Submission:

PreventionGenetics, part of Exact Sciences
Classification: Benign for IL4R-related condition. Last evaluated: 2019-10-28. Review status: no assertion criteria provided. Collection method: clinical testing. Allele origin: germline.
Comment: This variant is classified as benign based on ACMG/AMP sequence variant interpretation guidelines (Richards et al. 2015 PMID: 25741868, with internal and published modifications).